The following is an entry in ClinVar:

ClinVar aggregate classification (germline): Conflicting classifications of pathogenicity. Review status: criteria provided, conflicting classifications (1 of 4 stars). 4 submissions from 4 submitters: Uncertain significance (1); Benign (1); Likely benign (2). Last evaluated 2025-04-01.

Conditions:
Retinal dystrophy. Also called: Inherited retinal dystrophy. Identifiers: Orphanet 71862, MedGen C0854723, MeSH D058499, MONDO:0019118, HP:0000556.
Occult macular dystrophy (OCMD). Also called: OMD; OCCULT MACULAR DYSTROPHY, SUSCEPTIBILITY TO. Identifiers: Orphanet 247834, MedGen C3150833, MONDO:0013316, OMIM 613587, HP:0030636.
RP1L1-related disorder. Also called: RP1L1-related condition.

Allele frequency attached by ClinVar (database versions not stated): gnomAD 0.00006 and 0.00008; gnomAD exomes 0.00008 and 0.00022; TOPMed 0.00013; 1000 Genomes Project 0.00020; ExAC 0.00021; 1000 Genomes Project 30x 0.00047.

Submissions (4):

PreventionGenetics, part of Exact Sciences
Classification: Likely benign for RP1L1-related condition. Last evaluated: 2025-04-01. Review status: criteria provided, single submitter. Criteria: ACMG Guidelines, 2015. Collection method: clinical testing. Allele origin: germline.
Comment: This variant is classified as likely benign based on ACMG/AMP sequence variant interpretation guidelines (Richards et al. 2015 PMID: 25741868, with internal and published modifications).

Dept Of Ophthalmology, Nagoya University
Classification: Likely benign for Retinal dystrophy. Last evaluated: 2023-10-01. Review status: criteria provided, single submitter. Criteria: Submitter's publication. Collection method: research. Allele origin: germline. Affected: yes.

Blueprint Genetics
Classification: Uncertain significance. Last evaluated: 2023-07-27. Review status: criteria provided, single submitter. Criteria: ACMG Guidelines, 2015. Collection method: clinical testing. Allele origin: germline.

Illumina Laboratory Services, Illumina
Classification: Benign for Occult macular dystrophy. Last evaluated: 2018-01-12. Review status: criteria provided, single submitter. Criteria: ICSL Variant Classification Criteria 13 December 2019. Collection method: clinical testing. Allele origin: germline.
Comment: This variant was observed in the ICSL laboratory as part of a predisposition screen in an ostensibly healthy population. It had not been previously curated by ICSL or reported in the Human Gene Mutation Database (HGMD: prior to June 1st, 2018), and was therefore a candidate for classification through an automated scoring system. Utilizing variant allele frequency, disease prevalence and penetrance estimates, and inheritance mode, an automated score was calculated to assess if this variant is too frequent to cause the disease. Based on the score and internal cut-off values, a variant classified as benign is not then subjected to further curation. The score for this variant resulted in a classification of benign for this disease.

NM_178857.6(RP1L1):c.3053C>A (p.Pro1018His)

Gene: RP1L1 (RP1 like 1). Cytogenetic location: 8p23.1.
Variant type: single nucleotide variant.
Coding change: c.3053C>A on transcript NM_178857.6 (MANE Select); coding-DNA position 3053, C replaced by A.
Protein change: p.Pro1018His; replaces proline 1018 with histidine.
Molecular consequence: missense variant.
Genome position (GRCh38, 1-based): chr8:10,611,045, G>T on the plus strand (C>A on the coding strand, the complement: RP1L1 is on the minus strand). VCF-style: chr8-10611045-G-T. GRCh37 (hg19) VCF-style: chr8-10468555-G-T.
Other names: short protein forms P1018H.
Identifiers: ClinVar variation 909335 (VCV000909335.7), dbSNP rs200191362, ClinGen allele CA4624612.
Genomic context (GRCh38, chr8:10,611,045, plus strand): 5'-GATTGGGGACCAGTGTCACTACTCCCCAGGAGGGCTCCCTCTGGCTCTGGGTCCTGGCCG[G>T]GGTCCCCTTCCAGGGACTGCTGTCCCGCCTGAGCTGGCTCCCCCAGGCCTTCCAGAGAAT-3'
Protein context (NP_849188.4, residues 1008-1028): QAGQQSLEGD[Pro1018His]GQDPEPEGAL